The following is an entry in ClinVar:

ClinVar aggregate classification (germline): Uncertain significance. Review status: criteria provided, multiple submitters, no conflicts (2 of 4 stars). 2 submissions from 2 submitters: Uncertain significance (2). Last evaluated 2025-11-25.

Conditions:
Inborn genetic diseases. Identifiers: MedGen C0950123, MeSH D030342.
Fanconi anemia (FA). Also called: Fanconi's anemia. Identifiers: Orphanet 84, MedGen C0015625, MeSH D005199, MONDO:0019391.

Allele frequency attached by ClinVar (database versions not stated): gnomAD exomes below 0.00001; TOPMed below 0.00001.

Submissions (2):

Ambry Genetics
Classification: Uncertain significance for Inborn genetic diseases. Last evaluated: 2025-11-25. Review status: criteria provided, single submitter. Criteria: Ambry Variant Classification Scheme 2023. Collection method: clinical testing. Allele origin: germline.

Labcorp Genetics (formerly Invitae), Labcorp
Classification: Uncertain significance for Fanconi anemia. Last evaluated: 2021-08-24. Review status: criteria provided, single submitter. Criteria: Invitae Variant Classification Sherloc (09022015). Collection method: clinical testing. Allele origin: germline.
Comment: This variant is not present in population databases (ExAC no frequency). This sequence change replaces methionine with arginine at codon 1580 of the FANCM protein (p.Met1580Arg). The methionine residue is highly conserved and there is a moderate physicochemical difference between methionine and arginine. This variant has not been reported in the literature in individuals affected with FANCM-related conditions. Algorithms developed to predict the effect of missense changes on protein structure and function are either unavailable or do not agree on the potential impact of this missense change (SIFT: "Tolerated"; PolyPhen-2: "Possibly Damaging"; Align-GVGD: "Class C0"). In summary, the available evidence is currently insufficient to determine the role of this variant in disease. Therefore, it has been classified as a Variant of Uncertain Significance.

NM_020937.4(FANCM):c.4739T>G (p.Met1580Arg)

Gene: FANCM (FA complementation group M; plus strand). Cytogenetic location: 14q21.2.
Variant type: single nucleotide variant.
Coding change: c.4739T>G on transcript NM_020937.4 (MANE Select); coding-DNA position 4739, T replaced by G.
Protein change: p.Met1580Arg; replaces methionine 1580 with arginine.
Molecular consequence: missense variant.
Genome position (GRCh38, 1-based): chr14:45,187,847, T>G. VCF-style: chr14-45187847-T-G. GRCh37 (hg19) VCF-style: chr14-45657050-T-G.
Other names: c.4661T>G, p.Met1554Arg (NM_001308133.2); c.4739T>G (NM_020937.2); short protein forms M1554R, M1580R.
Identifiers: ClinVar variation 1489389 (VCV001489389.7), dbSNP rs1889503433, ClinGen allele CA389610100.
Genomic context (GRCh38, chr14:45,187,847, plus strand): 5'-AAATGAGAGCTATTTACATGAAATCTTTGCGTAGTCCAATGATGAACAATAAGTACAAAA[T>G]GATTCATAAGACACATAAAAACATAAACATTTTCTCGCAGGTATGAACTATAGAAATATA-3'
Protein context (NP_065988.1, residues 1570-1590): RSPMMNNKYK[Met1580Arg]IHKTHKNINI